The following is an entry in ClinVar:

ClinVar aggregate classification (germline): Conflicting classifications of pathogenicity. Review status: criteria provided, conflicting classifications (1 of 4 stars). 2 submissions from 2 submitters: Uncertain significance (1); Likely benign (1). Last evaluated 2025-04-03.

Conditions:
Inborn genetic diseases. Identifiers: MedGen C0950123, MeSH D030342.

Allele frequency attached by ClinVar (database versions not stated): TOPMed 0.00001; gnomAD exomes 0.00002.
gnomAD v4.1: 25 of 1,614,250 alleles (0.0015%); highest among the groups gnomAD compares: Non-Finnish European, 0.0019%; no homozygotes.

Submissions (2):

Ambry Genetics
Classification: Likely benign for Inborn genetic diseases. Last evaluated: 2025-04-03. Review status: criteria provided, single submitter. Criteria: Ambry Variant Classification Scheme 2023. Collection method: clinical testing. Allele origin: germline.

Labcorp Genetics (formerly Invitae), Labcorp
Classification: Uncertain significance. Last evaluated: 2024-02-24. Review status: criteria provided, single submitter. Criteria: Invitae Variant Classification Sherloc (09022015). Collection method: clinical testing. Allele origin: germline.
Comment: This sequence change replaces lysine, which is basic and polar, with arginine, which is basic and polar, at codon 363 of the ETV6 protein (p.Lys363Arg). This variant is present in population databases (no rsID available, gnomAD 0.0009%). This variant has not been reported in the literature in individuals affected with ETV6-related conditions. An algorithm developed to predict the effect of missense changes on protein structure and function (PolyPhen-2) suggests that this variant is likely to be tolerated. In summary, the available evidence is currently insufficient to determine the role of this variant in disease. Therefore, it has been classified as a Variant of Uncertain Significance.

NM_001987.5(ETV6):c.1088A>G (p.Lys363Arg)

Genes: ETV6 (ETS variant transcription factor 6; plus strand), LOC126861452 (CDK7 strongly-dependent group 2 enhancer GRCh37_chr12:12037195-12038394; plus strand). Cytogenetic location: 12p13.2.
Variant type: single nucleotide variant.
Coding change: c.1088A>G on transcript NM_001987.5 (MANE Select); coding-DNA position 1088, A replaced by G.
Protein change: p.Lys363Arg; replaces lysine 363 with arginine.
Molecular consequence: missense variant. On other transcripts: intron variant (1).
Genome position (GRCh38, 1-based): chr12:11,884,523, A>G. VCF-style: chr12-11884523-A-G. GRCh37 (hg19) VCF-style: chr12-12037457-A-G.
Other names: c.1085A>G, p.Lys362Arg (NM_001413913.1); c.1061A>G, p.Lys354Arg (NM_001413914.1); c.824A>G, p.Lys275Arg (NM_001413915.1); c.1010-6418A>G (NM_001413917.1); short protein forms K354R, K275R, K362R, K363R.
Identifiers: ClinVar variation 2975495 (VCV002975495.4), dbSNP rs1403421167, ClinGen allele CA384044640.